The following is an entry in ClinVar:

ClinVar aggregate classification (germline): Uncertain significance (1 of 4 stars; one submission).

Allele frequency attached by ClinVar (database versions not stated): ExAC 0.00001; 1000 Genomes Project 30x 0.00016; 1000 Genomes Project 0.00020.
gnomAD v4.1: 3 of 1,613,304 alleles (0.00019%); highest among the groups gnomAD compares: East Asian, 0.0022%; no homozygotes.

Submission:

Labcorp Genetics (formerly Invitae), Labcorp
Classification: Uncertain significance. Last evaluated: 2023-08-25. Review status: criteria provided, single submitter. Criteria: Invitae Variant Classification Sherloc (09022015). Collection method: clinical testing. Allele origin: germline.
Comment: In summary, the available evidence is currently insufficient to determine the role of this variant in disease. Therefore, it has been classified as a Variant of Uncertain Significance. Algorithms developed to predict the effect of missense changes on protein structure and function output the following: SIFT: "Not Available"; PolyPhen-2: "Not Available"; Align-GVGD: "Not Available". The valine amino acid residue is found in multiple mammalian species, which suggests that this missense change does not adversely affect protein function. This variant has not been reported in the literature in individuals affected with COX6A1-related conditions. The frequency data for this variant in the population databases is considered unreliable, as metrics indicate poor data quality at this position in the gnomAD database. This sequence change replaces alanine, which is neutral and non-polar, with valine, which is neutral and non-polar, at codon 2 of the COX6A1 protein (p.Ala2Val).

NM_004373.4(COX6A1):c.5C>T (p.Ala2Val)

Gene: COX6A1 (cytochrome c oxidase subunit 6A1; plus strand). Cytogenetic location: 12q24.31.
Variant type: single nucleotide variant.
Coding change: c.5C>T on transcript NM_004373.4 (MANE Select); coding-DNA position 5, C replaced by T.
Protein change: p.Ala2Val; replaces alanine 2 with valine.
Molecular consequence: missense variant.
Genome position (GRCh38, 1-based): chr12:120,438,131, C>T. VCF-style: chr12-120438131-C-T. GRCh37 (hg19) VCF-style: chr12-120875934-C-T.
Other names: short protein forms A2V.
Identifiers: ClinVar variation 2892205 (VCV002892205.3), dbSNP rs200221639, ClinGen allele CA6827943.